The following is an entry in ClinVar:

NM_020765.3(UBR4):c.2637+5A>G

Gene: UBR4 (ubiquitin protein ligase E3 component n-recognin 4; minus strand). Cytogenetic location: 1p36.13.
Variant type: single nucleotide variant.
Coding change: c.2637+5A>G on transcript NM_020765.3 (MANE Select); 5 bases into the intron after coding-DNA position 2637, A replaced by G.
Molecular consequence: intron variant.
Genome position (GRCh38, 1-based): chr1:19,177,456, T>C on the plus strand (A>G on the coding strand, the complement: UBR4 is on the minus strand). VCF-style: chr1-19177456-T-C. GRCh37 (hg19) VCF-style: chr1-19503950-T-C.
Identifiers: ClinVar variation 3058691 (VCV003058691.2), dbSNP rs557309014, ClinGen allele CA651373.
Genomic context (GRCh38, chr1:19,177,456, plus strand): 5'-GTAACCATTGAGAAGAATAAAGTTCTCAGTAATGGTGAAGCAAAAAAGAACGTGTTGGTC[T>C]GTACCTGCTCAAATAGATACACAGGGGCTTTGGAGTACTGATGAAGCAGATAATCAAAGA-3'

ClinVar aggregate classification (germline): Likely benign (0 of 4 stars; one submission).

Conditions:
UBR4-related disorder. Also called: UBR4-related condition.

Allele frequency attached by ClinVar (database versions not stated): ExAC 0.00003; gnomAD 0.00003; gnomAD exomes 0.00004; TOPMed 0.00005.
gnomAD v4.1: 71 of 1,612,844 alleles (0.0044%); highest among the groups gnomAD compares: Middle Eastern, 0.016%; no homozygotes.

Submission:

PreventionGenetics, part of Exact Sciences
Classification: Likely benign for UBR4-related condition. Last evaluated: 2019-02-21. Review status: no assertion criteria provided. Collection method: clinical testing. Allele origin: germline.
Comment: This variant is classified as likely benign based on ACMG/AMP sequence variant interpretation guidelines (Richards et al. 2015 PMID: 25741868, with internal and published modifications).